The following is an entry in ClinVar:

ClinVar aggregate classification (germline): Pathogenic/Likely pathogenic. Review status: criteria provided, multiple submitters, no conflicts (2 of 4 stars). 7 submissions from 7 submitters: Pathogenic (5); Likely pathogenic (1). 1 of the submissions does not count toward it. Last evaluated 2025-11-08.

Conditions:
Mucopolysaccharidosis, MPS-III-A (MPS3A). Also called: MUCOPOLYSACCHARIDOSIS, TYPE IIIA, ATTENUATED; Mucopolysaccharidosis type IIIA (Sanfilippo A); mucopolysaccharidosis type 3A; MPS IIIA (Sanfilippo Syndrome Type A); MPS III A; HEPARAN SULFATE SULFATASE DEFICIENCY. Identifiers: Orphanet 581, Orphanet 79269, MedGen C0086647, MONDO:0009655, OMIM 252900.

Allele frequency attached by ClinVar (database versions not stated): gnomAD exomes 0.00001; gnomAD 0.00001; TOPMed below 0.00001.
gnomAD v4.1: 17 of 1,612,028 alleles (0.0011%); highest among the groups gnomAD compares: African/African-American, 0.0027%; no homozygotes.

Submissions (7):

Natera, Inc.
Classification: Pathogenic for Mucopolysaccharidosis type IIIA. Last evaluated: 2025-11-08. Review status: criteria provided, single submitter. Criteria: Natera Variant Classification Schema (03/2026). Collection method: clinical testing. Allele origin: germline.
Comment: The c.629G>A variant in SGSH is a nonsense variant predicted to introduce a stop codon at amino acid 210. This variant is expected to result in nonsense mediated decay, truncation, or a dysfunctional protein product. This variant is rare in the general population with a frequency below the threshold expected for the associated phenotype(s). This variant has been observed in one or more individuals affected with the associated recessive disease, as either homozygous or compound heterozygous with a second variant (PMID: 34828358). Given the available evidence, this variant is classified as Pathogenic.

Labcorp Genetics (formerly Invitae), Labcorp
Classification: Pathogenic for Mucopolysaccharidosis, MPS-III-A. Last evaluated: 2025-03-05. Review status: criteria provided, single submitter. Criteria: Invitae Variant Classification Sherloc (09022015). Collection method: clinical testing. Allele origin: germline.
Comment: This sequence change creates a premature translational stop signal (p.Trp210*) in the SGSH gene. It is expected to result in an absent or disrupted protein product. Loss-of-function variants in SGSH are known to be pathogenic (PMID: 11182930, 21204211, 22976768). This variant is not present in population databases (gnomAD no frequency). This premature translational stop signal has been observed in individual(s) with Sanfilippo syndrome (PMID: 9285796). ClinVar contains an entry for this variant (Variation ID: 280083). For these reasons, this variant has been classified as Pathogenic.

Baylor Genetics
Classification: Pathogenic for Mucopolysaccharidosis, MPS-III-A. Last evaluated: 2022-12-13. Review status: criteria provided, single submitter. Criteria: ACMG Guidelines, 2015. Collection method: clinical testing. Allele origin: unknown.

Genome-Nilou Lab
Classification: Pathogenic for Mucopolysaccharidosis, MPS-III-A. Last evaluated: 2021-11-07. Review status: criteria provided, single submitter. Criteria: ACMG Guidelines, 2015. Collection method: clinical testing. Allele origin: germline. Affected: no.

Women's Health and Genetics/Laboratory Corporation of America, LabCorp
Classification: Likely pathogenic for Mucopolysaccharidosis, MPS-III-A. Last evaluated: 2018-06-01. Review status: criteria provided, single submitter. Criteria: LabCorp Variant Classification Summary - May 2015. Collection method: clinical testing. Allele origin: germline.
Comment: Variant summary: SGSH c.629G>A (p.Trp210X) results in a premature termination codon, predicted to cause a truncation of the encoded protein or absence of the protein due to nonsense mediated decay, which are commonly known mechanisms for disease. Truncations downstream of this position have been classified as pathogenic by our laboratory (eg. c.697C>T (p.Arg233X) and c.1027dupC (p.Leu343fsX159)). The variant was absent in 238874 control chromosomes (gnomAD). The variant, c.629G>A, has been reported in the literature in an individual affected with Mucopolysaccharidosis Type IIIA (Sanfilippo Syndrome A)(Weber_1997). To our knowledge, no experimental evidence demonstrating an impact on protein function has been reported. A ClinVar submission from a clinical diagnostic laboratory (evaluation after 2014) cites the variant as "pathogenic." Based on the evidence outlined above, the variant was classified as likely pathogenic.

GeneDx
Classification: Pathogenic. Last evaluated: 2016-09-01. Review status: criteria provided, single submitter. Criteria: GeneDx Variant Classification (06012015). Collection method: clinical testing. Allele origin: germline. Affected: yes.
Comment: The W210X variant in the SGSH gene has been reported previously in one individual with MPS Type IIIA in whom a second pathogenic SGSH variant was not identified (Weber et al., 1997). This variant is predicted to cause loss of normal protein function either through protein truncation or nonsense-mediated mRNA decay. The W210X variant was not observed in approximately 6500 individuals of European and African American ancestry in the NHLBI Exome Sequencing Project, indicating it is not a common benign variant in these populations. We interpret W210X as a pathogenic variant.

Counsyl
Classification: Likely pathogenic for Mucopolysaccharidosis, MPS-III-A. Last evaluated: 2018-04-19. Review status: no assertion criteria provided. Collection method: clinical testing. Allele origin: unknown. Not counted in ClinVar's aggregate classification.

Literature cited by the submitters: PubMed 34828358 (cited by Natera, Inc.); PubMed 11182930 (cited by Labcorp Genetics (formerly Invitae), Labcorp); PubMed 21204211 (cited by Labcorp Genetics (formerly Invitae), Labcorp); PubMed 22976768 (cited by Labcorp Genetics (formerly Invitae), Labcorp); PubMed 9285796 (cited by 3 submitters); PubMed 9744479 (cited by Women's Health and Genetics/Laboratory Corporation of America, LabCorp).

NM_000199.5(SGSH):c.629G>A (p.Trp210Ter)

Gene: SGSH (N-sulfoglucosamine sulfohydrolase; minus strand). Cytogenetic location: 17q25.3.
Variant type: single nucleotide variant.
Coding change: c.629G>A on transcript NM_000199.5 (MANE Select); coding-DNA position 629, G replaced by A.
Protein change: p.Trp210Ter; replaces tryptophan 210 with a stop codon.
Molecular consequence: nonsense. On other transcripts: non-coding transcript variant (1).
Genome position (GRCh38, 1-based): chr17:80,214,206, C>T on the plus strand (G>A on the coding strand, the complement: SGSH is on the minus strand). VCF-style: chr17-80214206-C-T. GRCh37 (hg19) VCF-style: chr17-78188005-C-T.
Other names: c.629G>A, p.Trp210Ter (NM_001352921.3, NM_001352922.2); c.629G>A (NM_000199.4); short protein forms W210*.
Identifiers: ClinVar variation 280083 (VCV000280083.13), dbSNP rs886041370, ClinGen allele CA10603615.